The following is an entry in ClinVar:

NM_177550.5(SLC13A5):c.1127A>G (p.Lys376Arg)

Gene: SLC13A5 (solute carrier family 13 member 5; minus strand). Cytogenetic location: 17p13.1.
Variant type: single nucleotide variant.
Coding change: c.1127A>G on transcript NM_177550.5 (MANE Select); coding-DNA position 1127, A replaced by G.
Protein change: p.Lys376Arg; replaces lysine 376 with arginine.
Molecular consequence: missense variant.
Genome position (GRCh38, 1-based): chr17:6,694,126, T>C on the plus strand (A>G on the coding strand, the complement: SLC13A5 is on the minus strand). VCF-style: chr17-6694126-T-C. GRCh37 (hg19) VCF-style: chr17-6597445-T-C.
Other names: c.1127A>G, p.Lys376Arg (NM_001143838.3); c.1076A>G, p.Lys359Arg (NM_001284509.2); c.998A>G, p.Lys333Arg (NM_001284510.2); short protein forms K333R, K376R, K359R.
Identifiers: ClinVar variation 962623 (VCV000962623.10), dbSNP rs370020005, ClinGen allele CA8331509.

ClinVar aggregate classification (germline): Uncertain significance (1 of 4 stars; one submission).

Conditions:
Developmental and epileptic encephalopathy, 25 (DEE25). Also called: Developmental and epileptic encephalopathy 25, with amelogenesis imperfecta; Epileptic encephalopathy, early infantile, 25, with amelogenesis imperfecta; Epileptic encephalopathy, early infantile, 25. Identifiers: Orphanet 442835, MedGen C4014621, MONDO:0014392, OMIM 615905.

Allele frequency attached by ClinVar (database versions not stated): TOPMed 0.00001; ExAC 0.00002; gnomAD exomes 0.00002 and 0.00005; ESP Exome Variant Server 0.00008.
gnomAD v4.1: 75 of 1,613,664 alleles (0.0046%); highest among the groups gnomAD compares: Non-Finnish European, 0.0061%; no homozygotes.

Submission:

Labcorp Genetics (formerly Invitae), Labcorp
Classification: Uncertain significance for Developmental and epileptic encephalopathy, 25. Last evaluated: 2020-11-14. Review status: criteria provided, single submitter. Criteria: Invitae Variant Classification Sherloc (09022015). Collection method: clinical testing. Allele origin: germline.
Comment: This sequence change replaces lysine with arginine at codon 376 of the SLC13A5 protein (p.Lys376Arg). The lysine residue is weakly conserved and there is a small physicochemical difference between lysine and arginine. In summary, the available evidence is currently insufficient to determine the role of this variant in disease. Therefore, it has been classified as a Variant of Uncertain Significance. Algorithms developed to predict the effect of missense changes on protein structure and function (SIFT, PolyPhen-2, Align-GVGD) all suggest that this variant is likely to be tolerated, but these predictions have not been confirmed by published functional studies and their clinical significance is uncertain. This variant has not been reported in the literature in individuals with SLC13A5-related conditions. This variant is present in population databases (rs370020005, ExAC 0.005%).